The following is an entry in ClinVar:

ClinVar aggregate classification (germline): Likely benign (0 of 4 stars; one submission).

Conditions:
ADAMTSL4-related disorder. Also called: ADAMTSL4-Related Disorders; ADAMTSL4-related condition.

Allele frequency attached by ClinVar (database versions not stated): gnomAD exomes below 0.00001.
gnomAD v4.1: 1 of 1,609,496 alleles (0.000062%); highest among the groups gnomAD compares: Non-Finnish European, 0.000085%; no homozygotes.

Submission:

PreventionGenetics, part of Exact Sciences
Classification: Likely benign for ADAMTSL4-related condition. Last evaluated: 2019-09-13. Review status: no assertion criteria provided. Collection method: clinical testing. Allele origin: germline.
Comment: This variant is classified as likely benign based on ACMG/AMP sequence variant interpretation guidelines (Richards et al. 2015 PMID: 25741868, with internal and published modifications).

NM_019032.6(ADAMTSL4):c.2574T>C (p.Cys858=)

Gene: ADAMTSL4 (ADAMTS like 4; plus strand). Cytogenetic location: 1q21.2.
Variant type: single nucleotide variant.
Coding change: c.2574T>C on transcript NM_019032.6 (MANE Select); coding-DNA position 2574, T replaced by C.
Protein change: p.Cys858=; no amino-acid change (cysteine 858 retained).
Molecular consequence: synonymous variant.
Genome position (GRCh38, 1-based): chr1:150,558,976, T>C. VCF-style: chr1-150558976-T-C. GRCh37 (hg19) VCF-style: chr1-150531452-T-C.
Other names: c.2457T>C, p.Cys819= (NM_001288607.2); c.2643T>C, p.Cys881= (NM_001288608.2); c.2574T>C, p.Cys858= (NM_001378596.1).
Identifiers: ClinVar variation 3040086 (VCV003040086.2), dbSNP rs2526778695, ClinGen allele CA420898509.